The following is an entry in ClinVar:

ClinVar aggregate classification (germline): Uncertain significance. Review status: criteria provided, multiple submitters, no conflicts (2 of 4 stars). 2 submissions from 2 submitters: Uncertain significance (2). Last evaluated 2024-12-06.

Conditions:
ATG7-related disorder. Also called: ATG7-related condition.
Spinocerebellar ataxia, autosomal recessive 31. Identifiers: MedGen C5543627, MONDO:0030323, OMIM 619422.

Allele frequency attached by ClinVar (database versions not stated): gnomAD 0.00002; gnomAD exomes 0.00003; ExAC 0.00004; TOPMed 0.00004.
gnomAD v4.1: 55 of 1,612,558 alleles (0.0034%); highest among the groups gnomAD compares: Middle Eastern, 0.53%; no homozygotes.

Submissions (2):

PreventionGenetics, part of Exact Sciences
Classification: Uncertain significance for ATG7-related condition. Last evaluated: 2024-12-06. Review status: criteria provided, single submitter. Criteria: ACMG Guidelines, 2015. Collection method: clinical testing. Allele origin: germline.
Comment: The ATG7 c.1478A>G variant is predicted to result in the amino acid substitution p.Lys493Arg. This variant was reported in heterozygous state in an individual with secondary amenorrhea (Table 2, Heddar et al. 2022. PubMed ID: 36099812). This variant is reported in 0.0053% of alleles in individuals of European (Non-Finnish) descent in gnomAD. At this time, the clinical significance of this variant is uncertain due to the absence of conclusive functional and genetic evidence.

Genomic Medicine Center of Excellence, King Faisal Specialist Hospital and Research Centre
Classification: Uncertain significance for Spinocerebellar ataxia, autosomal recessive 31. Last evaluated: 2024-04-04. Review status: criteria provided, single submitter. Criteria: ACMG Guidelines, 2015. Collection method: clinical testing. Allele origin: germline.

NM_001349232.2(ATG7):c.1478A>G (p.Lys493Arg)

Gene: ATG7 (autophagy related 7; plus strand). Cytogenetic location: 3p25.3.
Variant type: single nucleotide variant.
Coding change: c.1478A>G on transcript NM_001349232.2 (MANE Select); coding-DNA position 1478, A replaced by G.
Protein change: p.Lys493Arg; replaces lysine 493 with arginine.
Molecular consequence: missense variant.
Genome position (GRCh38, 1-based): chr3:11,358,611, A>G. VCF-style: chr3-11358611-A-G. GRCh37 (hg19) VCF-style: chr3-11400085-A-G.
Other names: c.1478A>G, p.Lys493Arg (NM_001349234.2, NM_001349235.2, NM_006395.3 and 2 more transcripts); c.1361A>G, p.Lys454Arg (NM_001349236.2, NM_001144912.2); c.1319A>G, p.Lys440Arg (NM_001349237.2); c.545A>G, p.Lys182Arg (NM_001349238.2); c.1478A>G (NM_006395.2); short protein forms K182R, K440R, K454R, K493R.
Identifiers: ClinVar variation 3067898 (VCV003067898.2), dbSNP rs146006185, ClinGen allele CA2256087.